The following is an entry in ClinVar:

ClinVar aggregate classification (germline): Uncertain significance (1 of 4 stars; one submission).

Submission:

Ambry Genetics
Classification: Uncertain significance. Last evaluated: 2021-12-10. Review status: criteria provided, single submitter. Criteria: Ambry Variant Classification Scheme 2023. Collection method: clinical testing. Allele origin: germline.
Comment: The p.D821Y variant (also known as c.2461G>T), located in coding exon 13 of the NPAT gene, results from a G to T substitution at nucleotide position 2461. The aspartic acid at codon 821 is replaced by tyrosine, an amino acid with highly dissimilar properties. This amino acid position is conserved. In addition, this alteration is predicted to be tolerated by in silico analysis. Since supporting evidence is limited at this time, the clinical significance of this alteration remains unclear.

NM_002519.3(NPAT):c.2461G>T (p.Asp821Tyr)

Gene: NPAT (nuclear protein, coactivator of histone transcription; minus strand). Cytogenetic location: 11q22.3.
Variant type: single nucleotide variant.
Coding change: c.2461G>T on transcript NM_002519.3 (MANE Select); coding-DNA position 2461, G replaced by T.
Protein change: p.Asp821Tyr; replaces aspartic acid 821 with tyrosine.
Molecular consequence: missense variant.
Genome position (GRCh38, 1-based): chr11:108,172,523, C>A on the plus strand (G>T on the coding strand, the complement: NPAT is on the minus strand). VCF-style: chr11-108172523-C-A. GRCh37 (hg19) VCF-style: chr11-108043250-C-A.
Other names: c.2461G>T, p.Asp821Tyr (NM_001321307.1); short protein forms D821Y.
Identifiers: ClinVar variation 1791645 (VCV001791645.2), dbSNP rs2077961896, ClinGen allele CA382512930.
Genomic context (GRCh38, chr11:108,172,523, plus strand): 5'-GTGTAACATTAGCTGAAAAAGCAATGCCATCTTCATTCTGAGTATTGTTTACTGCAGAGT[C>A]TTCAGATTTGAATGTTAAAAGACTCTGTTCCATTGAGGCTGAATCCCCTACTTCGGCATA-3'
Protein context (NP_002510.2, residues 811-831): EQSLLTFKSE[Asp821Tyr]SAVNNTQNED